The following is an entry in ClinVar:

ClinVar aggregate classification (germline): Pathogenic (1 of 4 stars; one submission).

Submission:

Labcorp Genetics (formerly Invitae), Labcorp
Classification: Pathogenic. Last evaluated: 2025-11-03. Review status: criteria provided, single submitter. Criteria: Invitae Variant Classification Sherloc (09022015). Collection method: clinical testing. Allele origin: germline.
Comment: This sequence change creates a premature translational stop signal (p.Leu165*) in the FH gene. It is expected to result in an absent or disrupted protein product. Loss-of-function variants in FH are known to be pathogenic (PMID: 11865300, 21398687). This variant is not present in population databases (gnomAD no frequency). This variant has not been reported in the literature in individuals affected with FH-related conditions. ClinVar contains an entry for this variant (Variation ID: 2107516). For these reasons, this variant has been classified as Pathogenic.

Literature cited by the submitters: PubMed 11865300; PubMed 21398687.

NM_000143.4(FH):c.494T>G (p.Leu165Ter)

Gene: FH (fumarate hydratase; minus strand). Cytogenetic location: 1q43.
Variant type: single nucleotide variant.
Coding change: c.494T>G on transcript NM_000143.4 (MANE Select); coding-DNA position 494, T replaced by G.
Protein change: p.Leu165Ter; replaces leucine 165 with a stop codon.
Molecular consequence: nonsense.
Genome position (GRCh38, 1-based): chr1:241,512,028, A>C on the plus strand (T>G on the coding strand, the complement: FH is on the minus strand). VCF-style: chr1-241512028-A-C. GRCh37 (hg19) VCF-style: chr1-241675328-A-C.
Other names: short protein forms L165*.
Identifiers: ClinVar variation 2107516 (VCV002107516.4), dbSNP rs2527332571, ClinGen allele CA345439975.